The following is an entry in ClinVar:

NM_000271.5(NPC1):c.808G>A (p.Val270Ile)

Gene: NPC1 (NPC intracellular cholesterol transporter 1; minus strand). Cytogenetic location: 18q11.2.
Variant type: single nucleotide variant.
Coding change: c.808G>A on transcript NM_000271.5 (MANE Select); coding-DNA position 808, G replaced by A.
Protein change: p.Val270Ile; replaces valine 270 with isoleucine.
Molecular consequence: missense variant.
Genome position (GRCh38, 1-based): chr18:23,560,304, C>T on the plus strand (G>A on the coding strand, the complement: NPC1 is on the minus strand). VCF-style: chr18-23560304-C-T. GRCh37 (hg19) VCF-style: chr18-21140268-C-T.
Other names: short protein forms V270I.
Identifiers: ClinVar variation 2079569 (VCV002079569.2), dbSNP rs1357930161, ClinGen allele CA401781091.
Genomic context (GRCh38, chr18:23,560,304, plus strand): 5'-CTGCAAAAAATGCTCCAAAAAACACAAGCAAAAACGCCATGTAGGTGATCCACATGATGA[C>T]ATACATGGCGTCCAAGCCAAGGATCGTCCAGGGAGCAGGAGGAGGTGGGGGCTGGGGCTT-3'
Protein context (NP_000262.2, residues 260-280): WTILGLDAMY[Val270Ile]IMWITYMAFL

ClinVar aggregate classification (germline): Uncertain significance. Review status: criteria provided, multiple submitters, no conflicts (2 of 4 stars). 2 submissions from 2 submitters: Uncertain significance (2). Last evaluated 2024-07-12.

Conditions:
Niemann-Pick disease, type C1. Also called: NIEMANN-PICK DISEASE, VARIANT TYPE C1; NEUROVISCERAL STORAGE DISEASE WITH VERTICAL SUPRANUCLEAR OPHTHALMOPLEGIA; NIEMANN-PICK DISEASE WITH CHOLESTEROL ESTERIFICATION BLOCK; NIEMANN-PICK DISEASE WITHOUT SPHINGOMYELINASE DEFICIENCY; NIEMANN-PICK DISEASE, CHRONIC NEURONOPATHIC FORM. Identifiers: Orphanet 646, MedGen C3179455, MONDO:0009757, OMIM 257220.

Allele frequency attached by ClinVar (database versions not stated): gnomAD exomes below 0.00001; TOPMed 0.00001.
gnomAD v4.1: 3 of 1,614,232 alleles (0.00019%); highest among the groups gnomAD compares: Admixed American, 0.0017%; no homozygotes.

Submissions (2):

Blueprint Genetics
Classification: Uncertain significance. Last evaluated: 2024-07-12. Review status: criteria provided, single submitter. Criteria: ACMG Guidelines, 2015. Collection method: clinical testing. Allele origin: germline.

Labcorp Genetics (formerly Invitae), Labcorp
Classification: Uncertain significance for Niemann-Pick disease, type C1. Last evaluated: 2022-07-12. Review status: criteria provided, single submitter. Criteria: Invitae Variant Classification Sherloc (09022015). Collection method: clinical testing. Allele origin: germline.
Comment: This sequence change replaces valine, which is neutral and non-polar, with isoleucine, which is neutral and non-polar, at codon 270 of the NPC1 protein (p.Val270Ile). This variant is present in population databases (no rsID available, gnomAD 0.003%). This variant has not been reported in the literature in individuals affected with NPC1-related conditions. Advanced modeling of protein sequence and biophysical properties (such as structural, functional, and spatial information, amino acid conservation, physicochemical variation, residue mobility, and thermodynamic stability) performed at Invitae indicates that this missense variant is not expected to disrupt NPC1 protein function. In summary, the available evidence is currently insufficient to determine the role of this variant in disease. Therefore, it has been classified as a Variant of Uncertain Significance.